The following is an entry in ClinVar:

NM_021942.6(TRAPPC11):c.680A>G (p.Gln227Arg)

Gene: TRAPPC11 (trafficking protein particle complex subunit 11; plus strand). Cytogenetic location: 4q35.1.
Variant type: single nucleotide variant.
Coding change: c.680A>G on transcript NM_021942.6 (MANE Select); coding-DNA position 680, A replaced by G.
Protein change: p.Gln227Arg; replaces glutamine 227 with arginine.
Molecular consequence: missense variant.
Genome position (GRCh38, 1-based): chr4:183,675,183, A>G. VCF-style: chr4-183675183-A-G. GRCh37 (hg19) VCF-style: chr4-184596336-A-G.
Other names: c.680A>G, p.Gln227Arg (NM_199053.3); short protein forms Q227R.
Identifiers: ClinVar variation 2087555 (VCV002087555.4), dbSNP rs2476829638, ClinGen allele CA358861337.

ClinVar aggregate classification (germline): Uncertain significance (1 of 4 stars; one submission).

Conditions:
Autosomal recessive limb-girdle muscular dystrophy type R18 (LGMDR18). Also called: MUSCULAR DYSTROPHY, LIMB-GIRDLE, AUTOSOMAL RECESSIVE 18; Limb-girdle muscular dystrophy, type 2S; Autosomal recessive limb-girdle muscular dystrophy type 2S. Identifiers: Orphanet 369840, MedGen C4517996, MONDO:0014144, OMIM 615356.

Submission:

Labcorp Genetics (formerly Invitae), Labcorp
Classification: Uncertain significance for Autosomal recessive limb-girdle muscular dystrophy type R18. Last evaluated: 2022-01-18. Review status: criteria provided, single submitter. Criteria: Invitae Variant Classification Sherloc (09022015). Collection method: clinical testing. Allele origin: germline.
Comment: This variant is not present in population databases (gnomAD no frequency). In summary, the available evidence is currently insufficient to determine the role of this variant in disease. Therefore, it has been classified as a Variant of Uncertain Significance. Algorithms developed to predict the effect of missense changes on protein structure and function are either unavailable or do not agree on the potential impact of this missense change (SIFT: "Deleterious"; PolyPhen-2: "Benign"; Align-GVGD: "Class C35"). This variant has not been reported in the literature in individuals affected with TRAPPC11-related conditions. This sequence change replaces glutamine, which is neutral and polar, with arginine, which is basic and polar, at codon 227 of the TRAPPC11 protein (p.Gln227Arg).